The following is an entry in ClinVar:

NM_012108.4(STAP1):c.581A>G (p.Asn194Ser)

Gene: STAP1 (signal transducing adaptor family member 1; plus strand). Cytogenetic location: 4q13.2.
Variant type: single nucleotide variant.
Coding change: c.581A>G on transcript NM_012108.4 (MANE Select); coding-DNA position 581, A replaced by G.
Protein change: p.Asn194Ser; replaces asparagine 194 with serine.
Molecular consequence: missense variant.
Genome position (GRCh38, 1-based): chr4:67,583,624, A>G. VCF-style: chr4-67583624-A-G. GRCh37 (hg19) VCF-style: chr4-68449342-A-G.
Other names: c.581A>G, p.Asn194Ser (NM_001317769.2); short protein forms N194S.
Identifiers: ClinVar variation 1749877 (VCV001749877.2), dbSNP rs748244932, ClinGen allele CA2937622.

ClinVar aggregate classification (germline): Uncertain significance (1 of 4 stars; one submission).

Allele frequency attached by ClinVar (database versions not stated): TOPMed below 0.00001; ExAC 0.00001; gnomAD exomes 0.00001.
gnomAD v4.1: 7 of 1,614,010 alleles (0.00043%); highest among the groups gnomAD compares: Middle Eastern, 0.016%; no homozygotes.

Submission:

Ambry Genetics
Classification: Uncertain significance. Last evaluated: 2021-08-22. Review status: criteria provided, single submitter. Criteria: Ambry Variant Classification Scheme 2023. Collection method: clinical testing. Allele origin: germline.
Comment: The p.N194S variant (also known as c.581A>G), located in coding exon 6 of the STAP1 gene, results from an A to G substitution at nucleotide position 581. The asparagine at codon 194 is replaced by serine, an amino acid with highly similar properties. This amino acid position is conserved. In addition, this alteration is predicted to be tolerated by in silico analysis. Since supporting evidence is limited at this time, the clinical significance of this alteration remains unclear.